The following is an entry in ClinVar:

NM_001160372.4(TRAPPC9):c.76G>A (p.Val26Ile)

Gene: TRAPPC9 (trafficking protein particle complex subunit 9; minus strand). Cytogenetic location: 8q24.3.
Variant type: single nucleotide variant.
Coding change: c.76G>A on transcript NM_001160372.4 (MANE Select); coding-DNA position 76, G replaced by A.
Protein change: p.Val26Ile; replaces valine 26 with isoleucine.
Molecular consequence: missense variant. On other transcripts: non-coding transcript variant (1).
Genome position (GRCh38, 1-based): chr8:140,451,298, C>T on the plus strand (G>A on the coding strand, the complement: TRAPPC9 is on the minus strand). VCF-style: chr8-140451298-C-T. GRCh37 (hg19) VCF-style: chr8-141461397-C-T.
Other names: c.76G>A, p.Val26Ile (NM_001321646.2, NM_001374682.1, NM_001374683.1 and 2 more transcripts); short protein forms V26I.
Identifiers: ClinVar variation 588759 (VCV000588759.12), dbSNP rs376505164, ClinGen allele CA4893805.

ClinVar aggregate classification (germline): Uncertain significance. Review status: criteria provided, multiple submitters, no conflicts (2 of 4 stars). 3 submissions from 3 submitters: Uncertain significance (3). Last evaluated 2026-09-19.

Conditions:
Inborn genetic diseases. Identifiers: MedGen C0950123, MeSH D030342.

Allele frequency attached by ClinVar (database versions not stated): gnomAD 0.00004; ExAC 0.00011; TOPMed 0.00003; gnomAD exomes 0.00008.
gnomAD v4.1: 63 of 1,609,520 alleles (0.0039%); highest among the groups gnomAD compares: East Asian, 0.12%; no homozygotes.

Submissions (3):

GeneDx
Classification: Uncertain significance. Last evaluated: 2026-09-19. Review status: criteria provided, single submitter. Criteria: GeneDx Variant Classification Process June 2021. Collection method: clinical testing. Allele origin: germline.
Comment: In silico analysis suggests that this missense variant does not alter protein structure/function; Has not been previously published as pathogenic or benign to our knowledge

Labcorp Genetics (formerly Invitae), Labcorp
Classification: Uncertain significance. Last evaluated: 2025-08-17. Review status: criteria provided, single submitter. Criteria: Invitae Variant Classification Sherloc (09022015). Collection method: clinical testing. Allele origin: germline.
Comment: This sequence change replaces valine, which is neutral and non-polar, with isoleucine, which is neutral and non-polar, at codon 124 of the TRAPPC9 protein (p.Val124Ile). This variant is present in population databases (rs376505164, gnomAD 0.1%). This variant has not been reported in the literature in individuals affected with TRAPPC9-related conditions. ClinVar contains an entry for this variant (Variation ID: 588759). An algorithm developed to predict the effect of missense changes on protein structure and function (PolyPhen-2) suggests that this variant is likely to be disruptive. In summary, the available evidence is currently insufficient to determine the role of this variant in disease. Therefore, it has been classified as a Variant of Uncertain Significance.

Ambry Genetics
Classification: Uncertain significance for Inborn genetic diseases. Last evaluated: 2022-05-13. Review status: criteria provided, single submitter. Criteria: Ambry Variant Classification Scheme 2023. Collection method: clinical testing. Allele origin: germline.